The following is an entry in ClinVar:

NM_000136.3(FANCC):c.887A>G (p.Glu296Gly)

Genes: AOPEP (aminopeptidase O (putative); plus strand), FANCC (FA complementation group C; minus strand). Cytogenetic location: 9q22.32.
Variant type: single nucleotide variant.
Coding change: c.887A>G on transcript NM_000136.3 (MANE Select); coding-DNA position 887, A replaced by G.
Protein change: p.Glu296Gly; replaces glutamic acid 296 with glycine.
Molecular consequence: missense variant.
Genome position (GRCh38, 1-based): chr9:95,126,538, T>C on the plus strand (A>G on the coding strand, the complement: FANCC is on the minus strand). VCF-style: chr9-95126538-T-C. GRCh37 (hg19) VCF-style: chr9-97888820-T-C.
Other names: c.887A>G, p.Glu296Gly (NM_001243743.2, NM_001243744.2); short protein forms E296G.
Identifiers: ClinVar variation 1383991 (VCV001383991.6), dbSNP rs2134967462, ClinGen allele CA374109069.
Genomic context (GRCh38, chr9:95,126,538, plus strand): 5'-AAATGGAACCTTTTTTACATCAATTACTAGAAGAAACAGTGTAACGTTTACCTGAACATC[T>C]CATCAACAACCCGGAATATGGCAGGGTGGCAGGCTGCTTGAGGCTGTAAAAGGAGAAGAC-3'
Protein context (NP_000127.2, residues 286-306): CHPAIFRVVD[Glu296Gly]MFRCALLETD

ClinVar aggregate classification (germline): Uncertain significance (1 of 4 stars; one submission).

Conditions:
Fanconi anemia (FA). Also called: Fanconi's anemia. Identifiers: Orphanet 84, MedGen C0015625, MeSH D005199, MONDO:0019391.

Submission:

Labcorp Genetics (formerly Invitae), Labcorp
Classification: Uncertain significance for Fanconi anemia. Last evaluated: 2021-10-11. Review status: criteria provided, single submitter. Criteria: Invitae Variant Classification Sherloc (09022015). Collection method: clinical testing. Allele origin: germline.
Comment: In summary, the available evidence is currently insufficient to determine the role of this variant in disease. Therefore, it has been classified as a Variant of Uncertain Significance. Algorithms developed to predict the effect of missense changes on protein structure and function are either unavailable or do not agree on the potential impact of this missense change (SIFT: "Deleterious"; PolyPhen-2: "Probably Damaging"; Align-GVGD: "Class C15"). This variant has not been reported in the literature in individuals affected with FANCC-related conditions. This variant is not present in population databases (ExAC no frequency). This sequence change replaces glutamic acid with glycine at codon 296 of the FANCC protein (p.Glu296Gly). The glutamic acid residue is highly conserved and there is a moderate physicochemical difference between glutamic acid and glycine.